The following is an entry in ClinVar:

NM_000704.3(ATP4A):c.898G>A (p.Glu300Lys)

Gene: ATP4A (ATPase H+/K+ transporting subunit alpha; minus strand). Cytogenetic location: 19q13.12.
Variant type: single nucleotide variant.
Coding change: c.898G>A on transcript NM_000704.3 (MANE Select); coding-DNA position 898, G replaced by A.
Protein change: p.Glu300Lys; replaces glutamic acid 300 with lysine.
Molecular consequence: missense variant.
Genome position (GRCh38, 1-based): chr19:35,559,963, C>T on the plus strand (G>A on the coding strand, the complement: ATP4A is on the minus strand). VCF-style: chr19-35559963-C-T. GRCh37 (hg19) VCF-style: chr19-36050865-C-T.
Other names: short protein forms E300K.
Identifiers: ClinVar variation 3131641 (VCV003131641.2), dbSNP rs140861099, ClinGen allele CA9381230.
Genomic context (GRCh38, chr19:35,559,963, plus strand): 5'-CAATAAAAAATGTGGCACCGAAGAGAATGGCCAGGCCCGCGATGATGTCCACAAAATGCT[C>T]GATCTCGATAGCGATGGGTGTCTTCTCGTTTTCCACCCCCGACGCCAGCGATGCGATGCG-3'
Protein context (NP_000695.2, residues 290-310): NEKTPIAIEI[Glu300Lys]HFVDIIAGLA

ClinVar aggregate classification (germline): Uncertain significance. Review status: criteria provided, multiple submitters, no conflicts (2 of 4 stars). 2 submissions from 2 submitters: Uncertain significance (2). Last evaluated 2025-04-18.

Allele frequency attached by ClinVar (database versions not stated): ExAC 0.00002; TOPMed 0.00002; gnomAD 0.00004; gnomAD exomes 0.00005; ESP Exome Variant Server 0.00008.
gnomAD v4.1: 87 of 1,614,142 alleles (0.0054%); highest among the groups gnomAD compares: Non-Finnish European, 0.0065%; no homozygotes.

Submissions (2):

Labcorp Genetics (formerly Invitae), Labcorp
Classification: Uncertain significance. Last evaluated: 2025-04-18. Review status: criteria provided, single submitter. Criteria: Invitae Variant Classification Sherloc (09022015). Collection method: clinical testing. Allele origin: germline.
Comment: This sequence change replaces glutamic acid, which is acidic and polar, with lysine, which is basic and polar, at codon 300 of the ATP4A protein (p.Glu300Lys). This variant is present in population databases (rs140861099, gnomAD 0.006%). This variant has not been reported in the literature in individuals affected with ATP4A-related conditions. ClinVar contains an entry for this variant (Variation ID: 3131641). Invitae Evidence Modeling of protein sequence and biophysical properties (such as structural, functional, and spatial information, amino acid conservation, physicochemical variation, residue mobility, and thermodynamic stability) indicates that this missense variant is not expected to disrupt ATP4A protein function with a negative predictive value of 80%. In summary, the available evidence is currently insufficient to determine the role of this variant in disease. Therefore, it has been classified as a Variant of Uncertain Significance.

Ambry Genetics
Classification: Uncertain significance. Last evaluated: 2024-01-03. Review status: criteria provided, single submitter. Criteria: Ambry Variant Classification Scheme 2023. Collection method: clinical testing. Allele origin: germline.